The following is an entry in ClinVar:

ClinVar aggregate classification (germline): Uncertain significance. Review status: criteria provided, multiple submitters, no conflicts (2 of 4 stars). 2 submissions from 2 submitters: Uncertain significance (2). Last evaluated 2024-08-06.

Conditions:
Arrhythmogenic right ventricular dysplasia 5. Also called: Arrhythmogenic Right Ventricular Dysplasia/Cardiomyopathy 5; ARRHYTHMOGENIC RIGHT VENTRICULAR DYSPLASIA, FAMILIAL, 5. Identifiers: MedGen C1858379, MONDO:0011459, OMIM 604400.
Cardiovascular phenotype. Identifiers: MedGen CN230736.

Submissions (2):

All of Us Research Program, National Institutes of Health
Classification: Uncertain significance for Arrhythmogenic right ventricular dysplasia 5. Last evaluated: 2024-08-06. Review status: criteria provided, single submitter. Criteria: ACMG Guidelines, 2015. Collection method: clinical testing. Allele origin: germline. Inheritance: Autosomal dominant inheritance. Observed: 1 variant allele, 1 heterozygote.
Comment: This study involves interpretation of variants in research participants for the purpose of population health screening. Participant phenotype was not available at the time of variant classification. Additional details can be found in publication PMID: 35346344, PMCID: PMC8962531

Ambry Genetics
Classification: Uncertain significance for Cardiovascular phenotype. Last evaluated: 2019-11-25. Review status: criteria provided, single submitter. Criteria: Ambry Variant Classification Scheme 2023. Collection method: clinical testing. Allele origin: germline.
Comment: The c.1201T>C variant (also known as p.*401REXT*11), located in coding exon 12 of the TMEM43 gene, results from a T to C substitution at nucleotide position 1201, which is the last nucleotide of the TMEM43 gene. The stop codon at position 401 is replaced by Arginine, resulting in an elongation of the protein by 11 amino acids. Frameshifts are typically deleterious in nature, however, this frameshift occurs at the 3' terminus of TMEM43, is not expected to trigger nonsense-mediated mRNA decay, and results in the elongation of the protein by 11 amino acids. The exact functional impact of these inserted amino acids is unknown at this time. Since supporting evidence is limited at this time, the clinical significance of this alteration remains unclear.

NM_024334.3(TMEM43):c.1201T>C (p.Ter401Arg)

Gene: TMEM43 (transmembrane protein 43; plus strand). Cytogenetic location: 3p25.1.
Variant type: single nucleotide variant.
Coding change: c.1201T>C on transcript NM_024334.3 (MANE Select); coding-DNA position 1201, T replaced by C.
Protein change: p.Ter401Arg.
Molecular consequence: stop lost.
Genome position (GRCh38, 1-based): chr3:14,141,793, T>C. VCF-style: chr3-14141793-T-C. GRCh37 (hg19) VCF-style: chr3-14183293-T-C.
Other names: c.1204T>C, p.Ter402Arg (NM_001407274.1); c.1198T>C, p.Ter400Arg (NM_001407275.1, NM_001407276.1); c.1195T>C, p.Ter399Arg (NM_001407277.1); c.1186T>C, p.Ter396Arg (NM_001407278.1); c.1126T>C, p.Ter376Arg (NM_001407279.1); c.1051T>C, p.Ter351Arg (NM_001407280.1).
Identifiers: ClinVar variation 1747746 (VCV001747746.3), dbSNP rs2470201831, ClinGen allele CA351536729.